The following is an entry in ClinVar:

NM_000744.7(CHRNA4):c.790G>A (p.Val264Ile)

Gene: CHRNA4 (cholinergic receptor nicotinic alpha 4 subunit; minus strand). Cytogenetic location: 20q13.33.
Variant type: single nucleotide variant.
Coding change: c.790G>A on transcript NM_000744.7 (MANE Select); coding-DNA position 790, G replaced by A.
Protein change: p.Val264Ile; replaces valine 264 with isoleucine.
Molecular consequence: missense variant. On other transcripts: non-coding transcript variant (1).
Genome position (GRCh38, 1-based): chr20:63,350,621, C>T on the plus strand (G>A on the coding strand, the complement: CHRNA4 is on the minus strand). VCF-style: chr20-63350621-C-T. GRCh37 (hg19) VCF-style: chr20-61981973-C-T.
Other names: c.262G>A, p.Val88Ile (NM_001256573.2); short protein forms V264I, V88I.
Identifiers: ClinVar variation 1006984 (VCV001006984.8), dbSNP rs2068579848, ClinGen allele CA409636731.

ClinVar aggregate classification (germline): Uncertain significance (1 of 4 stars; one submission).

Conditions:
Familial sleep-related hypermotor epilepsy. Also called: Autosomal Dominant Sleep-Related Hypermotor (Hyperkinetic) Epilepsy. Identifiers: Orphanet 98784, MedGen C3696898, MONDO:0000030.

Submission:

Labcorp Genetics (formerly Invitae), Labcorp
Classification: Uncertain significance. Last evaluated: 2022-03-19. Review status: criteria provided, single submitter. Criteria: Invitae Variant Classification Sherloc (09022015). Collection method: clinical testing. Allele origin: germline.
Comment: This variant has not been reported in the literature in individuals affected with CHRNA4-related conditions. ClinVar contains an entry for this variant (Variation ID: 1006984). Algorithms developed to predict the effect of missense changes on protein structure and function are either unavailable or do not agree on the potential impact of this missense change (SIFT: "Deleterious"; PolyPhen-2: "Probably Damaging"; Align-GVGD: "Class C0"). In summary, the available evidence is currently insufficient to determine the role of this variant in disease. Therefore, it has been classified as a Variant of Uncertain Significance. This variant is not present in population databases (gnomAD no frequency). This sequence change replaces valine, which is neutral and non-polar, with isoleucine, which is neutral and non-polar, at codon 264 of the CHRNA4 protein (p.Val264Ile).